The following is an entry in ClinVar:

NM_002335.4(LRP5):c.3709C>T (p.Arg1237Trp)

Gene: LRP5 (LDL receptor related protein 5; plus strand). Cytogenetic location: 11q13.2.
Variant type: single nucleotide variant.
Coding change: c.3709C>T on transcript NM_002335.4 (MANE Select); coding-DNA position 3709, C replaced by T.
Protein change: p.Arg1237Trp; replaces arginine 1237 with tryptophan.
Molecular consequence: missense variant.
Genome position (GRCh38, 1-based): chr11:68,429,646, C>T. VCF-style: chr11-68429646-C-T. GRCh37 (hg19) VCF-style: chr11-68197114-C-T.
Other names: c.1966C>T, p.Arg656Trp (NM_001291902.2); short protein forms R656W, R1237W.
Identifiers: ClinVar variation 3573925 (VCV003573925.4).

ClinVar aggregate classification (germline): Conflicting classifications of pathogenicity. Review status: criteria provided, conflicting classifications (1 of 4 stars). 3 submissions from 3 submitters: Likely pathogenic (1); Uncertain significance (2). Last evaluated 2026-03-23.

Conditions:
Bone mineral density quantitative trait locus 1 (BMND1). Identifiers: MedGen C1866079, OMIM 601884.
Exudative vitreoretinopathy 4 (EVR4). Identifiers: Orphanet 891, MedGen C1866176, MONDO:0011151, OMIM 601813.
Autosomal dominant osteopetrosis 1 (OPTA1). Also called: OSTEOPETROSIS, AUTOSOMAL DOMINANT, TYPE I. Identifiers: Orphanet 2783, MedGen C1843330, MONDO:0011877, OMIM 607634.
Worth disease. Also called: ENDOSTEAL HYPEROSTOSIS, AUTOSOMAL DOMINANT; Autosomal dominant osteosclerosis, Worth type; OSTEOSCLEROSIS, AUTOSOMAL DOMINANT. Identifiers: Orphanet 2790, MedGen C0432273, MONDO:0007764, OMIM 144750.
Osteoporosis with pseudoglioma (OPPG). Also called: osteoporosis-pseudoglioma syndrome. Identifiers: Orphanet 2788, MedGen C0432252, MONDO:0009820, OMIM 259770.
Polycystic liver disease 4 with or without kidney cysts. Identifiers: MedGen C4693479, MONDO:0044327, OMIM 617875.

gnomAD v4.1: 12 of 1,614,168 alleles (0.00074%); highest among the groups gnomAD compares: African/African-American, 0.004%; no homozygotes.

Submissions (3):

Dasa
Classification: Uncertain significance. Last evaluated: 2026-03-23. Review status: criteria provided, single submitter. Criteria: DASA Assertion Criteria. Collection method: clinical testing. Allele origin: germline.
Comment: NM_002335.4(LRP5):c.3709C>T (p.Arg1237Trp) is a missense variant that results in the substitution of arginine with tryptophan. This variant has been reported in individuals with LRP5-related disorders (PMID: 28891484). Also, this variant is rare in population databases. Computational prediction algorithms are consistent with a deleterious effect. The currently available literature and clinical evidence are not sufficient to establish a definitive association between this variant and the reported condition. Therefore, this variant is classified as a variant of uncertain significance.

Labcorp Genetics (formerly Invitae), Labcorp
Classification: Uncertain significance. Last evaluated: 2025-07-22. Review status: criteria provided, single submitter. Criteria: Invitae Variant Classification Sherloc (09022015). Collection method: clinical testing. Allele origin: germline.
Comment: This sequence change replaces arginine, which is basic and polar, with tryptophan, which is neutral and slightly polar, at codon 1237 of the LRP5 protein (p.Arg1237Trp). This variant is present in population databases (rs771696099, gnomAD 0.003%). This missense change has been observed in individual(s) with osteoporosis pseudoglioma syndrome (PMID: 28891484). It has also been observed to segregate with disease in related individuals. ClinVar contains an entry for this variant (Variation ID: 3573925). Invitae Evidence Modeling of protein sequence and biophysical properties (such as structural, functional, and spatial information, amino acid conservation, physicochemical variation, residue mobility, and thermodynamic stability) has been performed for this missense variant. However, the output from this modeling did not meet the statistical confidence thresholds required to predict the impact of this variant on LRP5 protein function. In summary, the available evidence is currently insufficient to determine the role of this variant in disease. Therefore, it has been classified as a Variant of Uncertain Significance.

Fulgent Genetics
Classification: Likely pathogenic for Worth disease; Osteoporosis with pseudoglioma; Exudative vitreoretinopathy 4; Bone mineral density quantitative trait locus 1; Autosomal dominant osteopetrosis 1; Polycystic liver disease 4 with or without kidney cysts. Last evaluated: 2024-03-19. Review status: criteria provided, single submitter. Criteria: ACMG Guidelines, 2015. Collection method: clinical testing. Allele origin: germline.

Literature cited by the submitters: PubMed 28891484 (cited by Dasa and Labcorp Genetics (formerly Invitae), Labcorp).